The following is an entry in ClinVar:

NM_144997.7(FLCN):c.1721C>T (p.Ala574Val)

Gene: FLCN (folliculin; minus strand). Cytogenetic location: 17p11.2.
Variant type: single nucleotide variant.
Coding change: c.1721C>T on transcript NM_144997.7 (MANE Select); coding-DNA position 1721, C replaced by T.
Protein change: p.Ala574Val; replaces alanine 574 with valine.
Molecular consequence: missense variant.
Genome position (GRCh38, 1-based): chr17:17,213,674, G>A on the plus strand (C>T on the coding strand, the complement: FLCN is on the minus strand). VCF-style: chr17-17213674-G-A. GRCh37 (hg19) VCF-style: chr17-17116988-G-A.
Other names: c.1775C>T, p.Ala592Val (NM_001353229.2); c.1721C>T, p.Ala574Val (NM_001353230.2, NM_001353231.2); short protein forms A592V, A574V.
Identifiers: ClinVar variation 944338 (VCV000944338.11), dbSNP rs2046815401, ClinGen allele CA398529784.

ClinVar aggregate classification (germline): Uncertain significance. Review status: criteria provided, multiple submitters, no conflicts (2 of 4 stars). 3 submissions from 3 submitters: Uncertain significance (3). Last evaluated 2025-10-21.

Conditions:
Birt-Hogg-Dube syndrome. Also called: Birt Hogg Dubé syndrome. Identifiers: Orphanet 122, MedGen C0346010, MONDO:0800444.
Hereditary cancer-predisposing syndrome. Also called: Neoplastic Syndromes, Hereditary; Hereditary neoplastic syndrome; Hereditary Cancer Syndrome; Tumor predisposition. Identifiers: Orphanet 140162, MedGen C0027672, MeSH D009386, MONDO:0015356.

Allele frequency attached by ClinVar (database versions not stated): gnomAD exomes below 0.00001.
gnomAD v4.1: 2 of 1,614,188 alleles (0.00012%); highest among the groups gnomAD compares: Non-Finnish European, 0.00017%; no homozygotes.

Submissions (3):

Ambry Genetics
Classification: Uncertain significance for Hereditary cancer-predisposing syndrome. Last evaluated: 2025-10-21. Review status: criteria provided, single submitter. Criteria: Ambry Variant Classification Scheme 2023. Collection method: clinical testing. Allele origin: germline.
Comment: The p.A574V variant (also known as c.1721C>T), located in coding exon 11 of the FLCN gene, results from a C to T substitution at nucleotide position 1721. The alanine at codon 574 is replaced by valine, an amino acid with similar properties. This amino acid position is conserved. In addition, this alteration is predicted to be tolerated by in silico analysis. Since supporting evidence is limited at this time, the clinical significance of this alteration remains unclear.

Labcorp Genetics (formerly Invitae), Labcorp
Classification: Uncertain significance for Birt-Hogg-Dube syndrome. Last evaluated: 2024-04-22. Review status: criteria provided, single submitter. Criteria: Invitae Variant Classification Sherloc (09022015). Collection method: clinical testing. Allele origin: germline.
Comment: This sequence change replaces alanine, which is neutral and non-polar, with valine, which is neutral and non-polar, at codon 574 of the FLCN protein (p.Ala574Val). This variant is not present in population databases (gnomAD no frequency). This variant has not been reported in the literature in individuals affected with FLCN-related conditions. ClinVar contains an entry for this variant (Variation ID: 944338). An algorithm developed to predict the effect of missense changes on protein structure and function (PolyPhen-2) suggests that this variant is likely to be tolerated. In summary, the available evidence is currently insufficient to determine the role of this variant in disease. Therefore, it has been classified as a Variant of Uncertain Significance.

Baylor Genetics
Classification: Uncertain significance for Birt-Hogg-Dube syndrome 1. Last evaluated: 2023-06-26. Review status: criteria provided, single submitter. Criteria: ACMG Guidelines, 2015. Collection method: clinical testing. Allele origin: unknown.